The following is an entry in ClinVar:

ClinVar aggregate classification (germline): Uncertain significance (1 of 4 stars; one submission).

Conditions:
Multiple endocrine neoplasia, type 1 (MEN1). Also called: MEA I; MEN I; WERMER SYNDROME; Endocrine adenomatosis multiple; MEN 1. Identifiers: Orphanet 652, MedGen C0025267, MeSH D018761, MONDO:0007540, OMIM 131100.

Submission:

Labcorp Genetics (formerly Invitae), Labcorp
Classification: Uncertain significance for Multiple endocrine neoplasia, type 1. Last evaluated: 2023-12-28. Review status: criteria provided, single submitter. Criteria: Invitae Variant Classification Sherloc (09022015). Collection method: clinical testing. Allele origin: germline.
Comment: This variant, c.378_389del, is a complex sequence change that results in the deletion of 5 and insertion of 1 amino acid(s) in the MEN1 protein (p.Trp126_Ser130delinsCys). This variant is not present in population databases (gnomAD no frequency). This variant has not been reported in the literature in individuals affected with MEN1-related conditions. Experimental studies and prediction algorithms are not available or were not evaluated, and the functional significance of this variant is currently unknown. In summary, the available evidence is currently insufficient to determine the role of this variant in disease. Therefore, it has been classified as a Variant of Uncertain Significance.

NM_001370259.2(MEN1):c.378_389del (p.Trp126_Ser130delinsCys)

Gene: MEN1 (menin 1; minus strand). Cytogenetic location: 11q13.1.
Variant type: Deletion.
Coding change: c.378_389del on transcript NM_001370259.2 (MANE Select); coding-DNA positions 378 to 389, 12 bases deleted (GAACAGCCTCAG).
Protein change: p.Trp126_Ser130delinsCys.
Molecular consequence: inframe indel. On other transcripts: non-coding transcript variant (4).
Genome position (GRCh38, 1-based): chr11:64,809,721-64,809,732, CTGAGGCTGTTC deleted on the plus strand (GAACAGCCTCAG on the coding strand, the reverse complement: MEN1 is on the minus strand); deleting any 12 consecutive bases within chr11:64,809,721-64,809,733 gives the same sequence; the c. name uses the placement nearest the transcript's 3' end. VCF-style (leftmost placement, unchanged base first): chr11-64809720-GCTGAGGCTGTTC-G. GRCh37 (hg19) VCF-style: chr11-64577192-GCTGAGGCTGTTC-G.
Other names: c.378_389del, p.Trp126_Ser130delinsCys (NM_130799.3, NM_130800.3, NM_130801.3 and 20 more transcripts).
Identifiers: ClinVar variation 2705982 (VCV002705982.3), dbSNP rs2497259904, ClinGen allele CA2697548625.
Genomic context (GRCh38, chr11:64,809,720, plus strand): 5'-CCAACCTGTGATGAAGCTGAAGAGGGACTGGATGTGGGCCCGATCCTTGAAGTAGGAGCG[GCTGAGGCTGTTC>G]CATATGACATCGGAGACCTTCTTCACCAGCTCACGGCTGGAGACACCCCCTTCTCGAGGA-3'